The following is an entry in ClinVar:

NM_004082.5(DCTN1):c.187G>A (p.Asp63Asn)

Gene: DCTN1 (dynactin subunit 1; minus strand). Cytogenetic location: 2p13.1.
Variant type: single nucleotide variant.
Coding change: c.187G>A on transcript NM_004082.5 (MANE Select); coding-DNA position 187, G replaced by A.
Protein change: p.Asp63Asn; replaces aspartic acid 63 with asparagine.
Molecular consequence: missense variant. On other transcripts: non-coding transcript variant (1).
Genome position (GRCh38, 1-based): chr2:74,378,092, C>T on the plus strand (G>A on the coding strand, the complement: DCTN1 is on the minus strand). VCF-style: chr2-74378092-C-T. GRCh37 (hg19) VCF-style: chr2-74605219-C-T.
Other names: c.187G>A, p.Asp63Asn (NM_001135040.3, NM_001190837.2); c.136G>A, p.Asp46Asn (NM_001190836.2, NM_001378991.1, NM_001378992.1); short protein forms D46N, D63N.
Identifiers: ClinVar variation 2930655 (VCV002930655.3), dbSNP rs762014573, ClinGen allele CA1722595.
Genomic context (GRCh38, chr2:74,378,092, plus strand): 5'-CATCACAAGTGAAGTACTTCCTGCCTTGAACAGTTCCATCATTTTTGCCCTTTGCTTCAT[C>T]CAGAATCACGCCTACCCATTTGCCAGTGGCAAACAGTGTGGCTCCAACATAGGCCACAGT-3'
Protein context (NP_004073.2, residues 53-73): ATGKWVGVIL[Asp63Asn]EAKGKNDGTV

ClinVar aggregate classification (germline): Uncertain significance (1 of 4 stars; one submission).

Conditions:
Amyotrophic lateral sclerosis type 1 (ALS1). Also called: AMYOTROPHIC LATERAL SCLEROSIS 1, FAMILIAL. Identifiers: Orphanet 803, MedGen C1862939, MONDO:0007103, OMIM 105400.
Neuronopathy, distal hereditary motor, type 7B. Also called: NEURONOPATHY, DISTAL HEREDITARY MOTOR, AUTOSOMAL DOMINANT 14; NEURONOPATHY, DISTAL HEREDITARY MOTOR, HARDING TYPE VIIB; NEUROPATHY, DISTAL HEREDITARY MOTOR, HARDING TYPE VIIB; NEUROPATHY, DISTAL HEREDITARY MOTOR, WITH VOCAL CORD PARALYSIS, HARDING TYPE VIIB; Distal Hereditary Motor Neuronopathy Type 7B (dHMN7B); HMN VIIB. Identifiers: Orphanet 139589, MedGen C1843315, MONDO:0011879, OMIM 607641.
Perry syndrome. Also called: PARKINSONISM WITH ALVEOLAR HYPOVENTILATION AND MENTAL DEPRESSION. Identifiers: Orphanet 178509, MedGen C1868594, MONDO:0008201, OMIM 168605.

Allele frequency attached by ClinVar (database versions not stated): TOPMed below 0.00001; ExAC 0.00001; gnomAD 0.00001; gnomAD exomes 0.00001.
gnomAD v4.1: 15 of 1,614,166 alleles (0.00093%); highest among the groups gnomAD compares: African/African-American, 0.0013%; no homozygotes.

Submission:

Labcorp Genetics (formerly Invitae), Labcorp
Classification: Uncertain significance for Amyotrophic lateral sclerosis type 1; Neuronopathy, distal hereditary motor, type 7B; Perry syndrome. Last evaluated: 2026-01-05. Review status: criteria provided, single submitter. Criteria: Invitae Variant Classification Sherloc (09022015). Collection method: clinical testing. Allele origin: germline.
Comment: This sequence change replaces aspartic acid, which is acidic and polar, with asparagine, which is neutral and polar, at codon 63 of the DCTN1 protein (p.Asp63Asn). This variant is present in population databases (rs762014573, gnomAD 0.0009%). This variant has not been reported in the literature in individuals affected with DCTN1-related conditions. ClinVar contains an entry for this variant (Variation ID: 2930655). Invitae Evidence Modeling of protein sequence and biophysical properties (such as structural, functional, and spatial information, amino acid conservation, physicochemical variation, residue mobility, and thermodynamic stability) indicates that this missense variant is not expected to disrupt DCTN1 protein function with a negative predictive value of 95%. In summary, the available evidence is currently insufficient to determine the role of this variant in disease. Therefore, it has been classified as a Variant of Uncertain Significance.